The following is an entry in ClinVar:

ClinVar aggregate classification (germline): Uncertain significance (1 of 4 stars; one submission).

gnomAD v4.1: 10 of 1,611,754 alleles (0.00062%); highest among the groups gnomAD compares: South Asian, 0.0099%; no homozygotes.

Submission:

GeneDx
Classification: Uncertain significance. Last evaluated: 2024-05-15. Review status: criteria provided, single submitter. Criteria: GeneDx Variant Classification Process June 2021. Collection method: clinical testing. Allele origin: germline. Affected: yes.
Comment: Not observed at significant frequency in large population cohorts (gnomAD); In silico analysis supports a deleterious effect on splicing; Has not been previously published as pathogenic or benign to our knowledge

NM_020774.4(MIB1):c.2393+5G>A

Gene: MIB1 (MIB E3 ubiquitin protein ligase 1; plus strand). Cytogenetic location: 18q11.2.
Variant type: single nucleotide variant.
Coding change: c.2393+5G>A on transcript NM_020774.4 (MANE Select); 5 bases into the intron after coding-DNA position 2393, G replaced by A.
Molecular consequence: intron variant.
Genome position (GRCh38, 1-based): chr18:21,847,130, G>A. VCF-style: chr18-21847130-G-A. GRCh37 (hg19) VCF-style: chr18-19427091-G-A.
Identifiers: ClinVar variation 3377835 (VCV003377835.1).
Genomic context (GRCh38, chr18:21,847,130, plus strand): 5'-TGTCCTGATCCGAATCTCTGCAAAGCACTGGCAAAGTGTCATAAGGAAAAAGTCAGGTTT[G>A]TATTATTTATTATCATAAAACTTAATATTCTGTACAGAAAATATCATGTGGTTTCGTAAT-3'